The following is an entry in ClinVar:

NM_001145026.2(PTPRQ):c.944G>A (p.Gly315Asp)

Gene: PTPRQ (protein tyrosine phosphatase receptor type Q; plus strand). Cytogenetic location: 12q21.31.
Variant type: single nucleotide variant.
Coding change: c.944G>A on transcript NM_001145026.2 (MANE Select); coding-DNA position 944, G replaced by A.
Protein change: p.Gly315Asp; replaces glycine 315 with aspartic acid.
Molecular consequence: missense variant.
Genome position (GRCh38, 1-based): chr12:80,468,743, G>A. VCF-style: chr12-80468743-G-A. GRCh37 (hg19) VCF-style: chr12-80862522-G-A.
Other names: short protein forms G315D.
Identifiers: ClinVar variation 2499224 (VCV002499224.2), dbSNP rs751850575, ClinGen allele CA6702369.

ClinVar aggregate classification (germline): Uncertain significance. Review status: criteria provided, multiple submitters, no conflicts (2 of 4 stars). 2 submissions from 2 submitters: Uncertain significance (2). Last evaluated 2025-05-07.

Conditions:
PTPRQ-related disorder. Also called: PTPRQ-related condition.

Allele frequency attached by ClinVar (database versions not stated): ExAC 0.00020.
gnomAD v4.1: 26 of 1,549,078 alleles (0.0017%); highest among the groups gnomAD compares: African/African-American, 0.033%; no homozygotes.

Submissions (2):

PreventionGenetics, part of Exact Sciences
Classification: Uncertain significance for PTPRQ-related condition. Last evaluated: 2025-05-07. Review status: criteria provided, single submitter. Criteria: ACMG Guidelines, 2015. Collection method: clinical testing. Allele origin: germline.
Comment: The PTPRQ c.944G>A variant is predicted to result in the amino acid substitution p.Gly315Asp. To our knowledge, this variant has not been reported in the literature. This variant is reported in 0.054% of alleles in individuals of African descent in gnomAD. At this time, the clinical significance of this variant is uncertain due to the absence of conclusive functional and genetic evidence.

GeneDx
Classification: Uncertain significance. Last evaluated: 2022-10-14. Review status: criteria provided, single submitter. Criteria: GeneDx Variant Classification Process June 2021. Collection method: clinical testing. Allele origin: germline. Affected: yes.
Comment: In silico analysis supports that this missense variant does not alter protein structure/function; Has not been previously published as pathogenic or benign to our knowledge